The following is an entry in ClinVar:

NM_001261826.3(AP3D1):c.2897A>T (p.Glu966Val)

Gene: AP3D1 (adaptor related protein complex 3 subunit delta 1; minus strand). Cytogenetic location: 19p13.3.
Variant type: single nucleotide variant.
Coding change: c.2897A>T on transcript NM_001261826.3 (MANE Select); coding-DNA position 2897, A replaced by T.
Protein change: p.Glu966Val; replaces glutamic acid 966 with valine.
Molecular consequence: missense variant.
Genome position (GRCh38, 1-based): chr19:2,111,719, T>A on the plus strand (A>T on the coding strand, the complement: AP3D1 is on the minus strand). VCF-style: chr19-2111719-T-A. GRCh37 (hg19) VCF-style: chr19-2111718-T-A.
Other names: c.2711A>T (NM_003938.5); c.2861A>T, p.Glu954Val (NM_001374799.1); c.2711A>T, p.Glu904Val (NM_003938.8); short protein forms E954V, E966V, E904V.
Identifiers: ClinVar variation 1471731 (VCV001471731.9), dbSNP rs529475787, ClinGen allele CA9058682.
Genomic context (GRCh38, chr19:2,111,719, plus strand): 5'-GGCGCTGAAGTACCCCTCACCGGGAGCTGCTCCTCCTCTGGCGCGCCATTCTGCACCGGC[T>A]CCCCCGCTGCCTCCTCGCTGCCTGGAGGCTGCTTCTTGGACTTCTTCTTGCCTTTGGTCC-3'
Protein context (NP_001248755.1, residues 956-976): QPPGSEEAAG[Glu966Val]PVQNGAPEEE

ClinVar aggregate classification (germline): Uncertain significance. Review status: criteria provided, multiple submitters, no conflicts (2 of 4 stars). 2 submissions from 2 submitters: Uncertain significance (2). Last evaluated 2025-05-28.

Conditions:
Inborn genetic diseases. Identifiers: MedGen C0950123, MeSH D030342.

Allele frequency attached by ClinVar (database versions not stated): gnomAD exomes below 0.00001 and 0.00002; gnomAD 0.00001; TOPMed 0.00001; ExAC 0.00007; 1000 Genomes Project 30x 0.00016; 1000 Genomes Project 0.00020.
gnomAD v4.1: 8 of 1,603,312 alleles (0.0005%); highest among the groups gnomAD compares: East Asian, 0.018%; no homozygotes.

Submissions (2):

Labcorp Genetics (formerly Invitae), Labcorp
Classification: Uncertain significance. Last evaluated: 2025-05-28. Review status: criteria provided, single submitter. Criteria: Invitae Variant Classification Sherloc (09022015). Collection method: clinical testing. Allele origin: germline.
Comment: This sequence change replaces glutamic acid, which is acidic and polar, with valine, which is neutral and non-polar, at codon 966 of the AP3D1 protein (p.Glu966Val). This variant is present in population databases (rs529475787, gnomAD 0.02%). This variant has not been reported in the literature in individuals affected with AP3D1-related conditions. ClinVar contains an entry for this variant (Variation ID: 1471731). An algorithm developed to predict the effect of missense changes on protein structure and function (PolyPhen-2) suggests that this variant is likely to be tolerated. In summary, the available evidence is currently insufficient to determine the role of this variant in disease. Therefore, it has been classified as a Variant of Uncertain Significance.

Ambry Genetics
Classification: Uncertain significance for Inborn genetic diseases. Last evaluated: 2024-02-06. Review status: criteria provided, single submitter. Criteria: Ambry Variant Classification Scheme 2023. Collection method: clinical testing. Allele origin: germline.